The following is an entry in ClinVar:

ClinVar aggregate classification (germline): Conflicting classifications of pathogenicity. Review status: criteria provided, conflicting classifications (1 of 4 stars). 5 submissions from 5 submitters: Uncertain significance (3); Benign (1). 1 of the submissions does not count toward it. Last evaluated 2026-01-14.

Conditions:
Cardiomyopathy (CMYO). Also called: Cardiomyopathies. Identifiers: Orphanet 167848, MedGen C0878544, MONDO:0004994, HP:0001638. Inheritance: Various modes of inheritance.
Dystrophin deficiency.
Duchenne muscular dystrophy (DMD). Also called: MUSCULAR DYSTROPHY, PSEUDOHYPERTROPHIC PROGRESSIVE, DUCHENNE TYPE; Duchenne Muscular Dystrophy (DMD). Identifiers: Orphanet 98896, MedGen C0013264, MONDO:0010679, OMIM 310200.
Becker muscular dystrophy (BMD). Also called: Becker Muscular Dystrophy (BMD); MUSCULAR DYSTROPHY, PSEUDOHYPERTROPHIC PROGRESSIVE, BECKER TYPE. Identifiers: Orphanet 98895, MedGen C0917713, MONDO:0010311, OMIM 300376.
Cardiovascular phenotype. Identifiers: MedGen CN230736.

Allele frequency attached by ClinVar (database versions not stated): TOPMed 0.00005.
gnomAD v4.1: 53 of 1,198,708 alleles (0.0044%); highest among the groups gnomAD compares: Non-Finnish European, 0.0053%; no homozygotes.

Submissions (5):

Labcorp Genetics (formerly Invitae), Labcorp
Classification: Benign for Duchenne muscular dystrophy. Last evaluated: 2026-01-14. Review status: criteria provided, single submitter. Criteria: Invitae Variant Classification Sherloc (09022015). Collection method: clinical testing. Allele origin: germline.

Mayo Clinic Laboratories, Mayo Clinic
Classification: Uncertain significance. Last evaluated: 2024-12-20. Review status: criteria provided, single submitter. Criteria: ACMG Guidelines, 2015. Collection method: clinical testing. Allele origin: germline. Observed: 1 variant allele.
Comment: BP4

Athena Diagnostics
Classification: Uncertain significance. Last evaluated: 2024-05-23. Review status: criteria provided, single submitter. Criteria: Athena Diagnostics Criteria. Collection method: clinical testing. Allele origin: unknown.
Comment: Available data are insufficient to determine the clinical significance of the variant at this time. The frequency of this variant in the general population is uninformative in assessment of its pathogenicity. Polyphen and MutationTaster yielded discordant predictions regarding whether this amino acid change is damaging to the protein.

Ambry Genetics
Classification: Uncertain significance for Cardiovascular phenotype. Last evaluated: 2022-09-28. Review status: criteria provided, single submitter. Criteria: Ambry Variant Classification Scheme 2023. Collection method: clinical testing. Allele origin: germline.
Comment: The p.N1109S variant (also known as c.3326A>G), located in coding exon 25 of the DMD gene, results from an A to G substitution at nucleotide position 3326. The asparagine at codon 1109 is replaced by serine, an amino acid with highly similar properties. Based on data from gnomAD, the G allele has an overall frequency of 0.0006% (1/161551) total alleles studied, with no hemizygotes observed. The highest observed frequency was 0.0014% (1/69485) of European (non-Finnish) alleles. This amino acid position is highly conserved in available vertebrate species. In addition, this alteration is predicted to be tolerated by in silico analysis. Since supporting evidence is limited at this time, the clinical significance of this alteration remains unclear.

Natera, Inc.
Classification: Uncertain significance for Becker muscular dystrophy; Cardiomyopathy; Duchenne muscular dystrophy; Dystrophin deficiency. Last evaluated: 2018-11-06. Review status: no assertion criteria provided. Collection method: clinical testing. Allele origin: germline. Not counted in ClinVar's aggregate classification.

Literature cited by the submitters: PubMed 29970176 (cited by Athena Diagnostics and Ambry Genetics).

NM_004006.3(DMD):c.3326A>G (p.Asn1109Ser)

Gene: DMD (dystrophin; minus strand). Cytogenetic location: Xp21.1.
Variant type: single nucleotide variant.
Coding change: c.3326A>G on transcript NM_004006.3 (MANE Select); coding-DNA position 3326, A replaced by G.
Protein change: p.Asn1109Ser; replaces asparagine 1109 with serine.
Molecular consequence: missense variant.
Genome position (GRCh38, 1-based): chrX:32,463,545, T>C on the plus strand (A>G on the coding strand, the complement: DMD is on the minus strand). VCF-style: chrX-32463545-T-C. GRCh37 (hg19) VCF-style: chrX-32481662-T-C.
Other names: p.Asn1109Ser; c.3302A>G, p.Asn1101Ser (NM_000109.4); c.3314A>G, p.Asn1105Ser (NM_004009.3); c.2957A>G, p.Asn986Ser (NM_004010.3); c.3326A>G (NM_004006.2); short protein forms N1101S, N1105S, N1109S, N986S.
Identifiers: ClinVar variation 1023293 (VCV001023293.12), dbSNP rs200596739, ClinGen allele CA412664525.